The following is an entry in ClinVar:

NM_152703.5(SAMD9L):c.2483G>T (p.Arg828Leu)

Gene: SAMD9L (sterile alpha motif domain containing 9 like; minus strand). Cytogenetic location: 7q21.2.
Variant type: single nucleotide variant.
Coding change: c.2483G>T on transcript NM_152703.5 (MANE Select); coding-DNA position 2483, G replaced by T.
Protein change: p.Arg828Leu; replaces arginine 828 with leucine.
Molecular consequence: missense variant.
Genome position (GRCh38, 1-based): chr7:93,133,489, C>A on the plus strand (G>T on the coding strand, the complement: SAMD9L is on the minus strand). VCF-style: chr7-93133489-C-A. GRCh37 (hg19) VCF-style: chr7-92762802-C-A.
Other names: c.2483G>T, p.Arg828Leu (NM_001303496.3, NM_001303497.3, NM_001303498.3 and 5 more transcripts); short protein forms R828L.
Identifiers: ClinVar variation 4863937 (VCV004863937.1).

ClinVar aggregate classification (germline): Uncertain significance (1 of 4 stars; one submission).

Conditions:
Inborn genetic diseases. Identifiers: MedGen C0950123, MeSH D030342.

Submission:

Ambry Genetics
Classification: Uncertain significance for Inborn genetic diseases. Last evaluated: 2026-04-12. Review status: criteria provided, single submitter. Criteria: Ambry Variant Classification Scheme 2023. Collection method: clinical testing. Allele origin: germline.
Comment: The p.R828L variant (also known as c.2483G>T), located in coding exon 1 of the SAMD9L gene, results from a G to T substitution at nucleotide position 2483. The arginine at codon 828 is replaced by leucine, an amino acid with dissimilar properties. This amino acid position is conserved. In addition, this alteration is predicted to be tolerated by in silico analysis. Based on the available evidence, the clinical significance of this variant remains unclear.